The following is an entry in ClinVar:

NM_000548.5(TSC2):c.1646A>T (p.Asp549Val)

Gene: TSC2 (TSC complex subunit 2; plus strand). Cytogenetic location: 16p13.3.
Variant type: single nucleotide variant.
Coding change: c.1646A>T on transcript NM_000548.5 (MANE Select); coding-DNA position 1646, A replaced by T.
Protein change: p.Asp549Val; replaces aspartic acid 549 with valine.
Molecular consequence: missense variant.
Genome position (GRCh38, 1-based): chr16:2,065,565, A>T. VCF-style: chr16-2065565-A-T. GRCh37 (hg19) VCF-style: chr16-2115566-A-T.
Other names: c.1646A>T, p.Asp549Val (NM_001077183.3, NM_001114382.3, NM_001363528.2 and 3 more transcripts); c.1535A>T, p.Asp512Val (NM_001318827.2); c.1499A>T, p.Asp500Val (NM_001318829.2); c.1046A>T, p.Asp349Val (NM_001318831.2); c.1679A>T, p.Asp560Val (NM_001318832.2); c.1646A>T (NM_000548.3); short protein forms D349V, D500V, D512V, D549V, D560V.
Identifiers: ClinVar variation 1510964 (VCV001510964.10), dbSNP rs1170792905, ClinGen allele CA394267929.

ClinVar aggregate classification (germline): Uncertain significance. Review status: criteria provided, multiple submitters, no conflicts (2 of 4 stars). 2 submissions from 2 submitters: Uncertain significance (2). Last evaluated 2025-07-09.

Conditions:
Hereditary cancer-predisposing syndrome. Also called: Neoplastic Syndromes, Hereditary; Hereditary Cancer Syndrome; Tumor predisposition; Hereditary neoplastic syndrome. Identifiers: Orphanet 140162, MedGen C0027672, MeSH D009386, MONDO:0015356.
Tuberous sclerosis 2 (TSC2). Identifiers: Orphanet 805, MedGen C1860707, MONDO:0013199, OMIM 613254.

Submissions (2):

Ambry Genetics
Classification: Uncertain significance for Hereditary cancer-predisposing syndrome. Last evaluated: 2025-07-09. Review status: criteria provided, single submitter. Criteria: Ambry Variant Classification Scheme 2023. Collection method: clinical testing. Allele origin: germline.
Comment: The p.D549V variant (also known as c.1646A>T), located in coding exon 15 of the TSC2 gene, results from an A to T substitution at nucleotide position 1646. The aspartic acid at codon 549 is replaced by valine, an amino acid with highly dissimilar properties. This amino acid position is well conserved in available vertebrate species. In addition, the in silico prediction for this alteration is inconclusive. Based on the available evidence, the clinical significance of this variant remains unclear.

Labcorp Genetics (formerly Invitae), Labcorp
Classification: Uncertain significance for Tuberous sclerosis 2. Last evaluated: 2021-06-05. Review status: criteria provided, single submitter. Criteria: Invitae Variant Classification Sherloc (09022015). Collection method: clinical testing. Allele origin: germline.
Comment: This variant is not present in population databases (ExAC no frequency). This sequence change replaces aspartic acid with valine at codon 549 of the TSC2 protein (p.Asp549Val). The aspartic acid residue is moderately conserved and there is a large physicochemical difference between aspartic acid and valine. This variant has not been reported in the literature in individuals with TSC2-related conditions. Advanced modeling of protein sequence and biophysical properties (such as structural, functional, and spatial information, amino acid conservation, physicochemical variation, residue mobility, and thermodynamic stability) performed at Invitae indicates that this missense variant is not expected to disrupt TSC2 protein function. In summary, the available evidence is currently insufficient to determine the role of this variant in disease. Therefore, it has been classified as a Variant of Uncertain Significance.